The following is an entry in ClinVar:

NM_001903.5(CTNNA1):c.388G>T (p.Ala130Ser)

Gene: CTNNA1 (catenin alpha 1; plus strand). Cytogenetic location: 5q31.2.
Variant type: single nucleotide variant.
Coding change: c.388G>T on transcript NM_001903.5 (MANE Select); coding-DNA position 388, G replaced by T.
Protein change: p.Ala130Ser; replaces alanine 130 with serine.
Molecular consequence: missense variant.
Genome position (GRCh38, 1-based): chr5:138,810,124, G>T. VCF-style: chr5-138810124-G-T. GRCh37 (hg19) VCF-style: chr5-138145813-G-T.
Other names: c.79G>T, p.Ala27Ser (NM_001290309.3); c.19G>T, p.Ala7Ser (NM_001290310.3); c.388G>T, p.Ala130Ser (NM_001323982.2, NM_001323983.1, NM_001323984.2 and 3 more transcripts); short protein forms A27S, A130S, A7S.
Identifiers: ClinVar variation 2701405 (VCV002701405.3), dbSNP rs1758522927, ClinGen allele CA361123166.

ClinVar aggregate classification (germline): Uncertain significance (1 of 4 stars; one submission).

Submission:

Labcorp Genetics (formerly Invitae), Labcorp
Classification: Uncertain significance. Last evaluated: 2023-12-08. Review status: criteria provided, single submitter. Criteria: Invitae Variant Classification Sherloc (09022015). Collection method: clinical testing. Allele origin: germline.
Comment: This sequence change replaces alanine, which is neutral and non-polar, with serine, which is neutral and polar, at codon 130 of the CTNNA1 protein (p.Ala130Ser). This variant is not present in population databases (gnomAD no frequency). This variant has not been reported in the literature in individuals affected with CTNNA1-related conditions. Advanced modeling of protein sequence and biophysical properties (such as structural, functional, and spatial information, amino acid conservation, physicochemical variation, residue mobility, and thermodynamic stability) performed at Invitae indicates that this missense variant is not expected to disrupt CTNNA1 protein function with a negative predictive value of 80%. In summary, the available evidence is currently insufficient to determine the role of this variant in disease. Therefore, it has been classified as a Variant of Uncertain Significance.